The following is an entry in ClinVar:

ClinVar aggregate classification (germline): Likely pathogenic (1 of 4 stars; one submission).

Conditions:
Idiopathic bronchiectasis. Identifiers: Orphanet 60033, MedGen C0339985, MONDO:0018956.

Submission:

Laboratory for Molecular Medicine, Mass General Brigham Personalized Medicine
Classification: Likely pathogenic for Idiopathic bronchiectasis. Last evaluated: 2016-05-20. Review status: criteria provided, single submitter. Criteria: LMM Criteria. Collection method: clinical testing. Allele origin: germline. Observed: 1 variant allele.
Comment: The p.Asn374fs variant in SCNN1A has not been previously reported in individuals with pulmonary disease or in large population studies. This variant is predicte d to cause a frameshift, which alters the protein?s amino acid sequence beginnin g at position 374 and leads to a premature termination codon 16 amino acids down stream. This alteration is then predicted to lead to a truncated or absent prote in. Heterozygous loss of function of the SCNN1A gene is an established disease m echanism in individuals with pseudohypoaldosteronism which can include a pulmona ry phenotype. In summary, although additional studies are required to fully esta blish its clinical significance, the p.Asn374fs variant is likely pathogenic.

Literature cited by the submitters: PubMed 10403853; PubMed 23392097.

NM_001038.6(SCNN1A):c.942del (p.Asn315fs)

Gene: SCNN1A (sodium channel epithelial 1 subunit alpha; minus strand). Cytogenetic location: 12p13.31.
Variant type: Deletion.
Coding change: c.942del on transcript NM_001038.6 (MANE Select); coding-DNA position 942, one base deleted (C; older notation c.942delC).
Protein change: p.Asn315fs; shifts the reading frame from asparagine 315.
Molecular consequence: frameshift variant.
Genome position (GRCh38, 1-based): chr12:6,355,814, G deleted on the plus strand (C on the coding strand, the reverse complement: SCNN1A is on the minus strand); the first of 2 consecutive G bases (chr12:6,355,814-6,355,815); deleting either gives the same sequence. VCF-style (leftmost placement, unchanged base first): chr12-6355813-TG-T. GRCh37 (hg19) VCF-style: chr12-6464979-TG-T.
Other names: c.1011del, p.Asn338fs (NM_001159575.2); c.1119del, p.Asn374fs (NM_001159576.2); short protein forms N374fs, N315fs, N338fs.
Identifiers: ClinVar variation 504974 (VCV000504974.5), dbSNP rs1555112332, ClinGen allele CA658797837.
Genomic context (GRCh38, chr12:6,355,813, plus strand): 5'-TGGAGCAAGCAGGGAGCTTCTCACCGTTGTTGATTCCAGGCATGGAAGACATCCAGAGGT[TG>T]GAGTTGTTCTTGTCATTGAAAGTATAGCAGTTTCCATACATCGGGTGGTGGAAGTGAGAG-3'